The following is an entry in ClinVar:

ClinVar aggregate classification (germline): Uncertain significance (1 of 4 stars; one submission).

gnomAD v4.1: 3 of 1,199,954 alleles (0.00025%); highest among the groups gnomAD compares: South Asian, 0.0018%; no homozygotes.

Submission:

Ambry Genetics
Classification: Uncertain significance. Last evaluated: 2026-05-13. Review status: criteria provided, single submitter. Criteria: Ambry Variant Classification Scheme 2023. Collection method: clinical testing. Allele origin: germline.
Comment: The c.932G>A (p.G311D) alteration is located in exon 10 (coding exon 10) of the SRPK3 gene. This alteration results from a G to A substitution at nucleotide position 932, causing the glycine (G) at amino acid position 311 to be replaced by an aspartic acid (D). Based on data from gnomAD, the A allele has an overall frequency of <0.001% (0/165094) total alleles studied. The highest observed frequency was <0.001% (/) of alleles. Based on insufficient or conflicting evidence, the clinical significance of this alteration remains unclear.

NM_014370.4(SRPK3):c.932G>A (p.Gly311Asp)

Gene: SRPK3 (SRSF protein kinase 3; plus strand). Cytogenetic location: Xq28.
Variant type: single nucleotide variant.
Coding change: c.932G>A on transcript NM_014370.4 (MANE Select); coding-DNA position 932, G replaced by A.
Protein change: p.Gly311Asp; replaces glycine 311 with aspartic acid.
Molecular consequence: missense variant.
Genome position (GRCh38, 1-based): chrX:153,783,998, G>A. VCF-style: chrX-153783998-G-A. GRCh37 (hg19) VCF-style: chrX-153049453-G-A.
Other names: c.929G>A, p.Gly310Asp (NM_001170760.2, NM_001170761.2); short protein forms G310D, G311D.
Identifiers: ClinVar variation 4865161 (VCV004865161.1).
Genomic context (GRCh38, chrX:153,783,998, plus strand): 5'-ATCTGCTCAGCAGCTGCCTCCACCCCGTCTCCCCAGACTCTGGCTTGAGACTAGACGGGG[G>A]CAGCGGCTCCACATCCTCTTCAGGCTGTCACCCCGGGGGCGCCAGAGCAGGTCCCTCCCC-3'
Protein context (NP_055185.2, residues 301-321): AEDSGLRLDG[Gly311Asp]SGSTSSSGCH